The following is an entry in ClinVar:

ClinVar aggregate classification (germline): Uncertain significance. Review status: criteria provided, single submitter (1 of 4 stars). 2 submissions from 2 submitters: Uncertain significance (1). 1 of the submissions does not count toward it. Last evaluated 2022-02-03.

Conditions:
Nemaline myopathy 2 (NEM2). Also called: Nemaline myopathy 2, autosomal recessive. Identifiers: MedGen C1850569, MONDO:0009725, OMIM 256030.

Allele frequency attached by ClinVar (database versions not stated): gnomAD exomes below 0.00001.
gnomAD v4.1: 1 of 1,532,002 alleles (0.000065%); highest among the groups gnomAD compares: Non-Finnish European, 0.000088%; no homozygotes.

Submissions (2):

Labcorp Genetics (formerly Invitae), Labcorp
Classification: Uncertain significance for Nemaline myopathy 2. Last evaluated: 2022-02-03. Review status: criteria provided, single submitter. Criteria: Invitae Variant Classification Sherloc (09022015). Collection method: clinical testing. Allele origin: germline.
Comment: This sequence change replaces glycine, which is neutral and non-polar, with alanine, which is neutral and non-polar, at codon 8021 of the NEB protein (p.Gly8021Ala). This variant is not present in population databases (gnomAD no frequency). This variant has not been reported in the literature in individuals affected with NEB-related conditions. ClinVar contains an entry for this variant (Variation ID: 847653). Algorithms developed to predict the effect of missense changes on protein structure and function are either unavailable or do not agree on the potential impact of this missense change (SIFT: "Deleterious"; PolyPhen-2: "Not Available"; Align-GVGD: "Class C0"). In summary, the available evidence is currently insufficient to determine the role of this variant in disease. Therefore, it has been classified as a Variant of Uncertain Significance.

Natera, Inc.
Classification: Uncertain significance for Nemaline myopathy type 2. Last evaluated: 2020-10-26. Review status: no assertion criteria provided. Collection method: clinical testing. Allele origin: germline. Not counted in ClinVar's aggregate classification.

NM_001164508.2(NEB):c.23957G>C (p.Gly7986Ala)

Genes: NEB (nebulin; minus strand), RIF1 (replication timing regulatory factor 1; plus strand). Cytogenetic location: 2q23.3.
Variant type: single nucleotide variant.
Coding change: c.23957G>C on transcript NM_001164508.2 (MANE Select); coding-DNA position 23957, G replaced by C.
Protein change: p.Gly7986Ala; replaces glycine 7986 with alanine.
Molecular consequence: missense variant. On other transcripts: intron variant (1).
Genome position (GRCh38, 1-based): chr2:151,501,455, C>G on the plus strand (G>C on the coding strand, the complement: NEB is on the minus strand). VCF-style: chr2-151501455-C-G. GRCh37 (hg19) VCF-style: chr2-152357969-C-G.
Other names: c.23957G>C, p.Gly7986Ala (NM_001164507.2); c.24062G>C, p.Gly8021Ala (NM_001271208.2); c.18825+1338G>C (NM_004543.5); short protein forms G7986A, G8021A.
Identifiers: ClinVar variation 847653 (VCV000847653.10), dbSNP rs2064473141, ClinGen allele CA348780612.